The following is an entry in ClinVar:

ClinVar aggregate classification (germline): Uncertain significance (1 of 4 stars; one submission).

Conditions:
Nemaline myopathy 6 (NEM6). Also called: Nemaline myopathy 6, autosomal dominant. Identifiers: Orphanet 171439, MedGen C1836472, MONDO:0012237, OMIM 609273.

Allele frequency attached by ClinVar (database versions not stated): gnomAD 0.00001; gnomAD exomes 0.00001.
gnomAD v4.1: 10 of 1,551,800 alleles (0.00064%); highest among the groups gnomAD compares: South Asian, 0.012%; no homozygotes.

Submission:

Labcorp Genetics (formerly Invitae), Labcorp
Classification: Uncertain significance for Nemaline myopathy 6. Last evaluated: 2022-03-18. Review status: criteria provided, single submitter. Criteria: Invitae Variant Classification Sherloc (09022015). Collection method: clinical testing. Allele origin: germline.
Comment: This sequence change replaces glutamic acid, which is acidic and polar, with glycine, which is neutral and non-polar, at codon 47 of the KBTBD13 protein (p.Glu47Gly). This variant is present in population databases (rs766293418, gnomAD 0.01%). This variant has not been reported in the literature in individuals affected with KBTBD13-related conditions. Algorithms developed to predict the effect of missense changes on protein structure and function are either unavailable or do not agree on the potential impact of this missense change (SIFT: "Deleterious"; PolyPhen-2: "Probably Damaging"; Align-GVGD: "Class C0"). In summary, the available evidence is currently insufficient to determine the role of this variant in disease. Therefore, it has been classified as a Variant of Uncertain Significance.

NM_001101362.3(KBTBD13):c.140A>G (p.Glu47Gly)

Gene: KBTBD13 (kelch repeat and BTB domain containing 13; plus strand). Cytogenetic location: 15q22.31.
Variant type: single nucleotide variant.
Coding change: c.140A>G on transcript NM_001101362.3 (MANE Select); coding-DNA position 140, A replaced by G.
Protein change: p.Glu47Gly; replaces glutamic acid 47 with glycine.
Molecular consequence: missense variant.
Genome position (GRCh38, 1-based): chr15:65,076,955, A>G. VCF-style: chr15-65076955-A-G. GRCh37 (hg19) VCF-style: chr15-65369293-A-G.
Other names: short protein forms E47G.
Identifiers: ClinVar variation 2195418 (VCV002195418.4), dbSNP rs766293418, ClinGen allele CA7613881.
Genomic context (GRCh38, chr15:65,076,955, plus strand): 5'-AGCACTGTGGCTTCTTCCGAGGCCTCTTCCGCTCCGGCATGCGGGAGACCCGCGCAGCAG[A>G]GGTGCGCCTGGGCGTTCTGAGCGCGGGAGGTTTCCGCGCCACGCTGCAGGTGCTGCGCGG-3'
Protein context (NP_001094832.1, residues 37-57): RSGMRETRAA[Glu47Gly]VRLGVLSAGG